The following is an entry in ClinVar:

NM_000059.4(BRCA2):c.5338dup (p.Glu1780fs)

Gene: BRCA2 (BRCA2 DNA repair associated; plus strand). Cytogenetic location: 13q13.1.
Variant type: Duplication.
Coding change: c.5338dup on transcript NM_000059.4 (MANE Select); coding-DNA position 5338, one base duplicated (G; older notation c.5338dupG).
Protein change: p.Glu1780fs; shifts the reading frame from glutamic acid 1780.
Molecular consequence: frameshift variant.
Genome position (GRCh38, 1-based): chr13:32,339,693, G duplicated. VCF-style (leftmost placement, unchanged base first): chr13-32339692-T-TG. GRCh37 (hg19) VCF-style: chr13-32913829-T-TG.
Other names: 5566insG; short protein forms E1780fs.
Identifiers: ClinVar variation 266872 (VCV000266872.5), dbSNP rs886040589, ClinGen allele CA10589309.

ClinVar aggregate classification (germline): Pathogenic. Review status: reviewed by expert panel (3 of 4 stars). 2 submissions from 2 submitters: Pathogenic (1). 1 of the submissions does not count toward it. Last evaluated 2016-10-18.

Conditions:
Breast-ovarian cancer, familial, susceptibility to, 2 (BROVCA2). Also called: BRCA2 Hereditary Breast and Ovarian Cancer. Identifiers: Orphanet 145, MedGen C2675520, MONDO:0012933, OMIM 612555. Disease mechanism: loss of function.

Submissions (2):

Evidence-based Network for the Interpretation of Germline Mutant Alleles (ENIGMA)
Classification: Pathogenic for Breast-ovarian cancer, familial, susceptibility to, 2. Last evaluated: 2016-10-18. Review status: reviewed by expert panel. Criteria: ENIGMA BRCA1/2 Classification Criteria (2015). Collection method: curation. Allele origin: germline.
Comment: Variant allele predicted to encode a truncated non-functional protein.

Consortium of Investigators of Modifiers of BRCA1/2 (CIMBA), c/o University of Cambridge
Classification: Pathogenic for Breast-ovarian cancer, familial, susceptibility to, 2. Last evaluated: 2015-10-02. Review status: criteria provided, single submitter. Criteria: CIMBA Mutation Classification guidelines May 2016. Collection method: clinical testing. Allele origin: germline. Not counted in ClinVar's aggregate classification.